The following is an entry in ClinVar:

ClinVar aggregate classification (germline): Uncertain significance (1 of 4 stars; one submission).

Submission:

GeneDx
Classification: Uncertain significance. Last evaluated: 2023-10-17. Review status: criteria provided, single submitter. Criteria: GeneDx Variant Classification Process June 2021. Collection method: clinical testing. Allele origin: germline. Affected: yes.
Comment: Nonsense variant predicted to result in protein truncation or nonsense mediated decay in a gene or region of a gene for which loss of function is not a well-established mechanism of disease; Not observed at significant frequency in large population cohorts (gnomAD); Has not been previously published as pathogenic or benign to our knowledge

NM_015898.4(ZBTB7A):c.1129C>T (p.Arg377Ter)

Gene: ZBTB7A (zinc finger and BTB domain containing 7A; minus strand). Cytogenetic location: 19p13.3.
Variant type: single nucleotide variant.
Coding change: c.1129C>T on transcript NM_015898.4 (MANE Select); coding-DNA position 1129, C replaced by T.
Protein change: p.Arg377Ter; replaces arginine 377 with a stop codon.
Molecular consequence: nonsense.
Genome position (GRCh38, 1-based): chr19:4,054,104, G>A on the plus strand (C>T on the coding strand, the complement: ZBTB7A is on the minus strand). VCF-style: chr19-4054104-G-A. GRCh37 (hg19) VCF-style: chr19-4054102-G-A.
Other names: c.1129C>T, p.Arg377Ter (NM_001317990.2); short protein forms R377*.
Identifiers: ClinVar variation 3366079 (VCV003366079.1).